The following is an entry in ClinVar:

NM_005236.3(ERCC4):c.782C>T (p.Pro261Leu)

Gene: ERCC4 (ERCC excision repair 4, endonuclease catalytic subunit; plus strand). Cytogenetic location: 16p13.12.
Variant type: single nucleotide variant.
Coding change: c.782C>T on transcript NM_005236.3 (MANE Select); coding-DNA position 782, C replaced by T.
Protein change: p.Pro261Leu; replaces proline 261 with leucine.
Molecular consequence: missense variant.
Genome position (GRCh38, 1-based): chr16:13,928,225, C>T. VCF-style: chr16-13928225-C-T. GRCh37 (hg19) VCF-style: chr16-14022082-C-T.
Other names: short protein forms P261L.
Identifiers: ClinVar variation 1062238 (VCV001062238.9), dbSNP rs765111229, ClinGen allele CA7910266.

ClinVar aggregate classification (germline): Uncertain significance (1 of 4 stars; one submission).

Conditions:
Xeroderma pigmentosum, group F (XPF). Also called: XERODERMA PIGMENTOSUM, TYPE F; Xeroderma pigmentosum, type 6; ERCC4-Related Xeroderma Pigmentosum; XERODERMA PIGMENTOSUM VI; XP, GROUP F; XERODERMA PIGMENTOSUM, COMPLEMENTATION GROUP F. Identifiers: MedGen C0268140, MONDO:0010215, OMIM 278760.
Cockayne syndrome. Identifiers: Orphanet 191, MedGen C0009207, MONDO:0016006.
Fanconi anemia complementation group Q. Identifiers: Orphanet 84, MedGen C3808988, MONDO:0014108, OMIM 615272.

Allele frequency attached by ClinVar (database versions not stated): gnomAD exomes below 0.00001; ExAC 0.00001; gnomAD 0.00001; TOPMed 0.00001.
gnomAD v4.1: 7 of 1,608,598 alleles (0.00044%); highest among the groups gnomAD compares: South Asian, 0.0011%; no homozygotes.

Submission:

Labcorp Genetics (formerly Invitae), Labcorp
Classification: Uncertain significance for Fanconi anemia complementation group Q; Xeroderma pigmentosum, group F; Cockayne syndrome. Last evaluated: 2023-03-08. Review status: criteria provided, single submitter. Criteria: Invitae Variant Classification Sherloc (09022015). Collection method: clinical testing. Allele origin: germline.
Comment: In summary, the available evidence is currently insufficient to determine the role of this variant in disease. Therefore, it has been classified as a Variant of Uncertain Significance. Advanced modeling of protein sequence and biophysical properties (such as structural, functional, and spatial information, amino acid conservation, physicochemical variation, residue mobility, and thermodynamic stability) performed at Invitae indicates that this missense variant is not expected to disrupt ERCC4 protein function. ClinVar contains an entry for this variant (Variation ID: 1062238). This variant has not been reported in the literature in individuals affected with ERCC4-related conditions. This variant is present in population databases (rs765111229, gnomAD 0.003%). This sequence change replaces proline, which is neutral and non-polar, with leucine, which is neutral and non-polar, at codon 261 of the ERCC4 protein (p.Pro261Leu).